The following is an entry in ClinVar:

ClinVar aggregate classification (germline): Uncertain significance. Review status: criteria provided, multiple submitters, no conflicts (2 of 4 stars). 4 submissions from 4 submitters: Uncertain significance (2). 2 of the submissions do not count toward it. Last evaluated 2022-07-25.

Conditions:
beta Thalassemia (BTHAL). Also called: Cooley's anemia; Erythroblastic anemia; Mediterranean anemia. Identifiers: Orphanet 848, MedGen C0005283, MONDO:0019402. Disease mechanism: loss of function.
HEMOGLOBIN FUKUYAMA.

Allele frequency attached by ClinVar (database versions not stated): gnomAD exomes below 0.00001; ExAC 0.00001.

Submissions (4):

Women's Health and Genetics/Laboratory Corporation of America, LabCorp
Classification: Uncertain significance. Last evaluated: 2022-07-25. Review status: criteria provided, single submitter. Criteria: LabCorp Variant Classification Summary - May 2015. Collection method: clinical testing. Allele origin: germline.
Comment: Variant summary: HBB c.232C>T (p.His78Tyr) also known as Hb-Fukuyama results in a conservative amino acid change located in the Globin domain (IPR000971) of the encoded protein sequence. Three of five in-silico tools predict a damaging effect of the variant on protein function. The variant allele was found at a frequency of 4e-06 in 251428 control chromosomes. The available data on variant occurrences in the general population are insufficient to allow any conclusion about variant significance. c.232C>T has been reported in the literature as a slightly unstable hemoglobin in reportedly unaffected individuals during routine HbA1c analysis (example, Landin_1993). These report(s) do not provide unequivocal conclusions about association of the variant with Hemoglobinopathy. To our knowledge, no experimental evidence demonstrating an impact on protein function has been reported. Two clinical diagnostic laboratories have submitted clinical-significance assessments for this variant to ClinVar after 2014 without evidence for independent evaluation. All laboratories classified the variant as uncertain significance. Based on the evidence outlined above, the variant was classified as uncertain significance.

ARUP Laboratories, Molecular Genetics and Genomics, ARUP Laboratories
Classification: Uncertain significance. Last evaluated: 2019-07-25. Review status: criteria provided, single submitter. Criteria: ARUP Molecular Germline Variant Investigation Process. Collection method: clinical testing. Allele origin: germline.
Comment: The Hb Fukuyama variant (HBB: c.232C>T; p.His78Tyr, also known as His77Tyr when numbered from the mature protein, rs33991294) is reported in the literature in several heterozygous individuals without clinical symptoms (HbVar database and references therein). This variant is found on a single chromosome (1/251428 alleles) in the Genome Aggregation Database. The histidine at codon 78 is weakly conserved, but computational analyses (SIFT, PolyPhen-2) predict that this variant is deleterious, and functional assays suggest the variant is mildly unstable (HbVar database and references therein). However, due to limited information, the clinical significance of the Hb Fukuyama variant is uncertain at this time. References: HbVar link to Hb Fukuyama

Natera, Inc.
Classification: Uncertain significance for Beta thalassemia. Last evaluated: 2020-07-08. Review status: no assertion criteria provided. Collection method: clinical testing. Allele origin: germline. Not counted in ClinVar's aggregate classification.

OMIM
Classification: other for HEMOGLOBIN FUKUYAMA. Last evaluated: 2017-12-12. Review status: no assertion criteria provided. Collection method: literature only. Allele origin: germline. Not counted in ClinVar's aggregate classification.

Literature cited by the submitters: PubMed 8226093 (cited by Women's Health and Genetics/Laboratory Corporation of America, LabCorp); PubMed 3170240 (cited by OMIM).

NM_000518.4(HBB):c.232C>T (p.His78Tyr)

Genes: HBB (hemoglobin subunit beta; minus strand), LOC106099062 (HBB recombination region; plus strand), LOC107133510 (origin of replication at HBB; plus strand). Cytogenetic location: 11p15.4.
Variant type: single nucleotide variant.
Coding change: c.232C>T on transcript NM_000518.4; coding-DNA position 232, C replaced by T.
Protein change: p.His78Tyr; replaces histidine 78 with tyrosine.
Molecular consequence: missense variant (on NM_000518.5).
Genome position (GRCh38, 1-based): chr11:5,226,660, G>A on the plus strand (C>T on the coding strand, the complement: HBB is on the minus strand). VCF-style: chr11-5226660-G-A. GRCh37 (hg19) VCF-style: chr11-5247890-G-A.
Other names: H77Y; c.232C>T, p.His78Tyr (NM_000518.5); short protein forms H78Y.
Identifiers: ClinVar variation 15168 (VCV000015168.12), dbSNP rs33991294, ClinGen allele CA124847.
Genomic context (GRCh38, chr11:5,226,660, plus strand): 5'-GCAGCTTGTCACAGTGCAGCTCACTCAGTGTGGCAAAGGTGCCCTTGAGGTTGTCCAGGT[G>A]AGCCAGGCCATCACTAAAGGCACCGAGCACTTTCTTGCCATGAGCCTTCACCTTAGGGTT-3'
Protein context (NP_000509.1, residues 68-88): VLGAFSDGLA[His78Tyr]LDNLKGTFAT